The following is an entry in ClinVar:

ClinVar aggregate classification (germline): Uncertain significance. Review status: criteria provided, multiple submitters, no conflicts (2 of 4 stars). 2 submissions from 2 submitters: Uncertain significance (2). Last evaluated 2023-05-08.

Conditions:
Inborn genetic diseases. Identifiers: MedGen C0950123, MeSH D030342.

Allele frequency attached by ClinVar (database versions not stated): ExAC 0.00001; gnomAD 0.00001; TOPMed 0.00002; ESP Exome Variant Server 0.00008.
gnomAD v4.1: 17 of 1,613,772 alleles (0.0011%); highest among the groups gnomAD compares: Non-Finnish European, 0.0014%; no homozygotes.

Submissions (2):

Labcorp Genetics (formerly Invitae), Labcorp
Classification: Uncertain significance. Last evaluated: 2023-05-08. Review status: criteria provided, single submitter. Criteria: Invitae Variant Classification Sherloc (09022015). Collection method: clinical testing. Allele origin: germline.
Comment: In summary, the available evidence is currently insufficient to determine the role of this variant in disease. Therefore, it has been classified as a Variant of Uncertain Significance. An algorithm developed to predict the effect of missense changes on protein structure and function (PolyPhen-2) suggests that this variant is likely to be disruptive. ClinVar contains an entry for this variant (Variation ID: 2082517). This variant has not been reported in the literature in individuals affected with FNIP1-related conditions. This variant is present in population databases (rs371479580, gnomAD 0.003%). This sequence change replaces histidine, which is basic and polar, with arginine, which is basic and polar, at codon 1106 of the FNIP1 protein (p.His1106Arg).

Ambry Genetics
Classification: Uncertain significance for Inborn genetic diseases. Last evaluated: 2021-08-02. Review status: criteria provided, single submitter. Criteria: Ambry Variant Classification Scheme 2023. Collection method: clinical testing. Allele origin: germline.

NM_133372.3(FNIP1):c.3317A>G (p.His1106Arg)

Gene: FNIP1 (folliculin interacting protein 1; minus strand). Cytogenetic location: 5q31.1.
Variant type: single nucleotide variant.
Coding change: c.3317A>G on transcript NM_133372.3 (MANE Select); coding-DNA position 3317, A replaced by G.
Protein change: p.His1106Arg; replaces histidine 1106 with arginine.
Molecular consequence: missense variant.
Genome position (GRCh38, 1-based): chr5:131,647,195, T>C on the plus strand (A>G on the coding strand, the complement: FNIP1 is on the minus strand). VCF-style: chr5-131647195-T-C. GRCh37 (hg19) VCF-style: chr5-130982888-T-C.
Other names: c.3233A>G, p.His1078Arg (NM_001008738.3); c.3182A>G, p.His1061Arg (NM_001346114.2); short protein forms H1106R, H1061R, H1078R.
Identifiers: ClinVar variation 2082517 (VCV002082517.3), dbSNP rs371479580, ClinGen allele CA3400353.